The following is an entry in ClinVar:

ClinVar aggregate classification (germline): Benign/Likely benign. Review status: criteria provided, multiple submitters, no conflicts (2 of 4 stars). 4 submissions from 4 submitters: Benign (1); Likely benign (3). Last evaluated 2024-09-06.

Conditions:
Hereditary cancer-predisposing syndrome. Also called: Tumor predisposition; Hereditary Cancer Syndrome; Hereditary neoplastic syndrome; Neoplastic Syndromes, Hereditary. Identifiers: Orphanet 140162, MedGen C0027672, MeSH D009386, MONDO:0015356.
Fanconi anemia complementation group J. Also called: BRIP1-Related Fanconi Anemia. Identifiers: Orphanet 84, MedGen C1836860, MONDO:0012187, OMIM 609054.
Familial cancer of breast. Also called: hereditary breast carcinoma; BREAST CANCER, FAMILIAL; Hereditary breast cancer. Identifiers: Orphanet 227535, MedGen C0346153, MONDO:0016419, OMIM 114480. Disease mechanism: loss of function.

Allele frequency attached by ClinVar (database versions not stated): gnomAD exomes below 0.00001; TOPMed below 0.00001.
gnomAD v4.1: 1 of 1,614,058 alleles (0.000062%); highest among the groups gnomAD compares: Non-Finnish European, 0.000085%; no homozygotes.

Submissions (4):

Myriad Genetics, Inc.
Classification: Benign for Familial cancer of breast. Last evaluated: 2024-09-06. Review status: criteria provided, single submitter. Criteria: Myriad Autosomal Dominant, Autosomal Recessive and X-Linked Classification Criteria (2023). Collection method: clinical testing. Allele origin: unknown.
Comment: This variant is considered benign. This variant is a silent/synonymous amino acid change and it is not expected to impact splicing.

Labcorp Genetics (formerly Invitae), Labcorp
Classification: Likely benign for Familial cancer of breast; Fanconi anemia complementation group J. Last evaluated: 2023-10-04. Review status: criteria provided, single submitter. Criteria: Invitae Variant Classification Sherloc (09022015). Collection method: clinical testing. Allele origin: germline.

Department of Pathology and Laboratory Medicine, Sinai Health System
Classification: Likely benign for Familial cancer of breast. Last evaluated: 2020-11-30. Review status: criteria provided, single submitter. Criteria: ACMG Guidelines, 2015. Collection method: clinical testing. Allele origin: germline. Affected: yes.

Ambry Genetics
Classification: Likely benign for Hereditary cancer-predisposing syndrome. Last evaluated: 2015-08-09. Review status: criteria provided, single submitter. Criteria: Ambry Variant Classification Scheme 2023. Collection method: clinical testing. Allele origin: germline.

NM_032043.3(BRIP1):c.2772A>G (p.Glu924=)

Gene: BRIP1 (BRCA1 interacting DNA helicase 1; minus strand). Cytogenetic location: 17q23.2.
Variant type: single nucleotide variant.
Coding change: c.2772A>G on transcript NM_032043.3 (MANE Select); coding-DNA position 2772, A replaced by G.
Protein change: p.Glu924=; no amino-acid change (glutamic acid 924 retained).
Molecular consequence: synonymous variant.
Genome position (GRCh38, 1-based): chr17:61,685,969, T>C on the plus strand (A>G on the coding strand, the complement: BRIP1 is on the minus strand). VCF-style: chr17-61685969-T-C. GRCh37 (hg19) VCF-style: chr17-59763330-T-C.
Identifiers: ClinVar variation 233254 (VCV000233254.17), dbSNP rs730881625, ClinGen allele CA10580789.
Genomic context (GRCh38, chr17:61,685,969, plus strand): 5'-CTGGACACATATCTTTGCTTCATCTTCCACAAAATTTTCTGGTGATAGATGACTTGCTGC[T>C]TCCAGTAAATAAGGTGAGGTACTGTACTTTAAAGAGGTCACTTCAAGTGTAGACTCATTG-3'
Protein context (NP_114432.2, residues 914-934): LKYSTSPYLL[Glu924=]AASHLSPENF